The following is an entry in ClinVar:

ClinVar aggregate classification (germline): Likely pathogenic (1 of 4 stars; one submission).

Conditions:
Maturity-onset diabetes of the young type 3. Also called: MODY type 3; MODY, type III. Identifiers: Orphanet 552, MedGen C1838100, MeSH C563933, MONDO:0010894, OMIM 600496. Disease mechanism: loss of function.

Submission:

Diagnostics Services (NGS), CSIR - Centre For Cellular And Molecular Biology
Classification: Likely pathogenic for Maturity-onset diabetes of the young type 3. Last evaluated: 2025-08-14. Review status: criteria provided, single submitter. Criteria: ACMG Guidelines, 2015. Collection method: clinical testing. Allele origin: germline. Affected: yes. Observed: 1 variant allele, 1 heterozygote.
Comment: The c.1501G>T variant is not present in publicly available population databases like 1000 Genomes, EVS, gnomAD, Indian Exome Database or our internal database. This variant has been previously observed in Indian patient(s) affected with MODY [PMID: 25041077] and reported to the Human Gene Mutation Database (HGMD: CM1513256) database. This variant is located near the exon-intron splice junction (splice distance -1 bp) and algorithms developed to predict the effect of sequence changes on RNA splicing suggest that this variant may disrupt the consensus splice site. In-silico pathogenicity prediction programs like HSF3.1 MutationTaster2021, CADD, Varsome, Franklin etc predicted this variant to be likely deleterious however these predictions were not confirmed by published functional/translational studies. A different amino acid change in the same codon (Ala501Thr) has been previously observed in affected individuals, published in literature several times and reported to the clinical databases.

Literature cited by the submitters: PubMed 25041077.

NM_000545.8(HNF1A):c.1501G>T (p.Ala501Ser)

Gene: HNF1A (HNF1 homeobox A; plus strand). Cytogenetic location: 12q24.31.
Variant type: single nucleotide variant.
Coding change: c.1501G>T on transcript NM_000545.8 (MANE Select); coding-DNA position 1501, G replaced by T.
Protein change: p.Ala501Ser; replaces alanine 501 with serine.
Molecular consequence: missense variant. On other transcripts: intron variant (1).
Genome position (GRCh38, 1-based): chr12:120,997,665, G>T. VCF-style: chr12-120997665-G-T. GRCh37 (hg19) VCF-style: chr12-121435468-G-T.
Other names: c.1501G>T, p.Ala501Ser (NM_001306179.2); c.1309+923G>T (NM_001406915.1); short protein forms A501S.
Identifiers: ClinVar variation 4279637 (VCV004279637.1).